The following is an entry in ClinVar:

NM_006565.4(CTCF):c.1432G>A (p.Glu478Lys)

Gene: CTCF (CCCTC-binding factor; plus strand). Cytogenetic location: 16q22.1.
Variant type: single nucleotide variant.
Coding change: c.1432G>A on transcript NM_006565.4 (MANE Select); coding-DNA position 1432, G replaced by A.
Protein change: p.Glu478Lys; replaces glutamic acid 478 with lysine.
Molecular consequence: missense variant.
Genome position (GRCh38, 1-based): chr16:67,626,629, G>A. VCF-style: chr16-67626629-G-A. GRCh37 (hg19) VCF-style: chr16-67660532-G-A.
Other names: c.448G>A, p.Glu150Lys (NM_001191022.2); c.1432G>A, p.Glu478Lys (NM_001363916.2, NM_001438968.1, NM_001438969.1); short protein forms E150K, E478K.
Identifiers: ClinVar variation 4527939 (VCV004527939.1).
Genomic context (GRCh38, chr16:67,626,629, plus strand): 5'-AAGCAGCATTCCTATATTGAGCAAGGCAAGAAATGCCGTTACTGTGATGCTGTGTTTCAT[G>A]AGCGCTATGCCCTCATCCAGCATCAGAAGTCACACAAGAATGAGAAGCGCTTTAAGTGTG-3'
Protein context (NP_006556.1, residues 468-488): KCRYCDAVFH[Glu478Lys]RYALIQHQKS

ClinVar aggregate classification (germline): Uncertain significance (1 of 4 stars; one submission).

Submission:

GeneDx
Classification: Uncertain significance. Last evaluated: 2025-05-08. Review status: criteria provided, single submitter. Criteria: GeneDx Variant Classification Process June 2021. Collection method: clinical testing. Allele origin: germline. Affected: yes.
Comment: Not observed at significant frequency in large population cohorts (gnomAD); In silico analysis supports that this missense variant has a deleterious effect on protein structure/function; Has not been previously published as pathogenic or benign to our knowledge